The following is an entry in ClinVar:

ClinVar aggregate classification (germline): Conflicting classifications of pathogenicity. Review status: criteria provided, conflicting classifications (1 of 4 stars). 3 submissions from 3 submitters: Uncertain significance (2); Benign (1). Last evaluated 2025-12-26.

Conditions:
SLC35A2-congenital disorder of glycosylation. Also called: EPILEPTIC ENCEPHALOPATHY, EARLY INFANTILE, 22; CONGENITAL DISORDER OF GLYCOSYLATION, TYPE IIm; CDG IIm; CONGENITAL DISORDER OF GLYCOSYLATION, TYPE IIm, SOMATIC MOSAIC; SLC35A2-CDG; DEVELOPMENTAL AND EPILEPTIC ENCEPHALOPATHY 22. Identifiers: Orphanet 356961, MedGen C3806688, MONDO:0010478, OMIM 300896.
Inborn genetic diseases. Identifiers: MedGen C0950123, MeSH D030342.

Allele frequency attached by ClinVar (database versions not stated): gnomAD 0.00001; gnomAD exomes 0.00001 and 0.00003; TOPMed 0.00001; ExAC 0.00004.
gnomAD v4.1: 14 of 1,209,787 alleles (0.0012%); highest among the groups gnomAD compares: Admixed American, 0.013%; no homozygotes.

Submissions (3):

Labcorp Genetics (formerly Invitae), Labcorp
Classification: Benign for SLC35A2-congenital disorder of glycosylation. Last evaluated: 2025-12-26. Review status: criteria provided, single submitter. Criteria: Invitae Variant Classification Sherloc (09022015). Collection method: clinical testing. Allele origin: germline.

Ambry Genetics
Classification: Uncertain significance for Inborn genetic diseases. Last evaluated: 2017-07-12. Review status: criteria provided, single submitter. Criteria: Ambry Variant Classification Scheme 2023. Collection method: clinical testing. Allele origin: germline.
Comment: The p.L276F variant (also known as c.826C>T), located in coding exon 4 of the SLC35A2 gene, results from a C to T substitution at nucleotide position 826. The leucine at codon 276 is replaced by phenylalanine, an amino acid with highly similar properties. This amino acid position is not well conserved in available vertebrate species. In addition, this alteration is predicted to be tolerated by in silico analysis. Since supporting evidence is limited at this time, the clinical significance of this alteration remains unclear.

Eurofins Ntd Llc (ga)
Classification: Uncertain significance. Last evaluated: 2015-09-14. Review status: criteria provided, single submitter. Criteria: EGL Classification Definitions 2015. Collection method: clinical testing. Allele origin: germline. Observed: 1 variant allele, 1 hemizygote.

NM_005660.3(SLC35A2):c.826C>T (p.Leu276Phe)

Gene: SLC35A2 (solute carrier family 35 member A2; minus strand). Cytogenetic location: Xp11.23.
Variant type: single nucleotide variant.
Coding change: c.826C>T on transcript NM_005660.3 (MANE Select); coding-DNA position 826, C replaced by T.
Protein change: p.Leu276Phe; replaces leucine 276 with phenylalanine.
Molecular consequence: missense variant. On other transcripts: intron variant (3).
Genome position (GRCh38, 1-based): chrX:48,905,083, G>A on the plus strand (C>T on the coding strand, the complement: SLC35A2 is on the minus strand). VCF-style: chrX-48905083-G-A. GRCh37 (hg19) VCF-style: chrX-48762360-G-A.
Other names: c.826C>T, p.Leu276Phe (NM_001042498.3); c.643C>T, p.Leu215Phe (NM_001282649.2); c.865C>T, p.Leu289Phe (NM_001282650.2); c.910C>T, p.Leu304Phe (NM_001282651.2); c.427-191C>T (NM_001282647.2, NM_001032289.3); c.355-191C>T (NM_001282648.2); short protein forms L276F, L215F, L304F, L289F.
Identifiers: ClinVar variation 282611 (VCV000282611.11), dbSNP rs782737391, ClinGen allele CA10406092.